The following is an entry in ClinVar:

NM_001261826.3(AP3D1):c.3271G>A (p.Glu1091Lys)

Gene: AP3D1 (adaptor related protein complex 3 subunit delta 1; minus strand). Cytogenetic location: 19p13.3.
Variant type: single nucleotide variant.
Coding change: c.3271G>A on transcript NM_001261826.3 (MANE Select); coding-DNA position 3271, G replaced by A.
Protein change: p.Glu1091Lys; replaces glutamic acid 1091 with lysine.
Molecular consequence: missense variant.
Genome position (GRCh38, 1-based): chr19:2,109,952, C>T on the plus strand (G>A on the coding strand, the complement: AP3D1 is on the minus strand). VCF-style: chr19-2109952-C-T. GRCh37 (hg19) VCF-style: chr19-2109951-C-T.
Other names: c.3235G>A, p.Glu1079Lys (NM_001374799.1); c.3085G>A, p.Glu1029Lys (NM_003938.8); short protein forms E1079K, E1091K, E1029K.
Identifiers: ClinVar variation 2869343 (VCV002869343.3), dbSNP rs763764314, ClinGen allele CA9058454.
Genomic context (GRCh38, chr19:2,109,952, plus strand): 5'-TCAAGTAGGAGCTGCAGCTGAAGTGCAGCCTGAAGTCCAGCTTCTCGTGGGTCGCACCCT[C>T]GTCATTCTGCGGTGGAGTGAAGGTGGTGCAGTTGAGAGGGGAGTCGGGCCCAGCTCAGGG-3'
Protein context (NP_001248755.1, residues 1081-1101): GTLSFIAKND[Glu1091Lys]GATHEKLDFR

ClinVar aggregate classification (germline): Uncertain significance (1 of 4 stars; one submission).

Allele frequency attached by ClinVar (database versions not stated): ExAC 0.00001; gnomAD 0.00001.
gnomAD v4.1: 14 of 1,613,532 alleles (0.00087%); highest among the groups gnomAD compares: Middle Eastern, 0.017%; 1 homozygote.

Submission:

Labcorp Genetics (formerly Invitae), Labcorp
Classification: Uncertain significance. Last evaluated: 2023-03-17. Review status: criteria provided, single submitter. Criteria: Invitae Variant Classification Sherloc (09022015). Collection method: clinical testing. Allele origin: germline.
Comment: This sequence change replaces glutamic acid, which is acidic and polar, with lysine, which is basic and polar, at codon 1091 of the AP3D1 protein (p.Glu1091Lys). This variant is present in population databases (rs763764314, gnomAD 0.01%). This variant has not been reported in the literature in individuals affected with AP3D1-related conditions. An algorithm developed to predict the effect of missense changes on protein structure and function (PolyPhen-2) suggests that this variant is likely to be tolerated. In summary, the available evidence is currently insufficient to determine the role of this variant in disease. Therefore, it has been classified as a Variant of Uncertain Significance.